The following is an entry in ClinVar:

ClinVar aggregate classification (germline): Uncertain significance (1 of 4 stars; one submission).

Conditions:
Dyskeratosis congenita. Identifiers: Orphanet 1775, MedGen C0265965, MONDO:0015780.

Allele frequency attached by ClinVar (database versions not stated): TOPMed below 0.00001.

Submission:

Labcorp Genetics (formerly Invitae), Labcorp
Classification: Uncertain significance for Dyskeratosis congenita. Last evaluated: 2023-08-24. Review status: criteria provided, single submitter. Criteria: Invitae Variant Classification Sherloc (09022015). Collection method: clinical testing. Allele origin: germline.
Comment: This sequence change replaces lysine, which is basic and polar, with glutamic acid, which is acidic and polar, at codon 1164 of the CTC1 protein (p.Lys1164Glu). This variant is not present in population databases (gnomAD no frequency). This variant has not been reported in the literature in individuals affected with CTC1-related conditions. ClinVar contains an entry for this variant (Variation ID: 1506251). An algorithm developed to predict the effect of missense changes on protein structure and function (PolyPhen-2) suggests that this variant is likely to be disruptive. In summary, the available evidence is currently insufficient to determine the role of this variant in disease. Therefore, it has been classified as a Variant of Uncertain Significance.

NM_025099.6(CTC1):c.3490A>G (p.Lys1164Glu)

Gene: CTC1 (CST telomere replication complex component 1; minus strand). Cytogenetic location: 17p13.1.
Variant type: single nucleotide variant.
Coding change: c.3490A>G on transcript NM_025099.6 (MANE Select); coding-DNA position 3490, A replaced by G.
Protein change: p.Lys1164Glu; replaces lysine 1164 with glutamic acid.
Molecular consequence: missense variant. On other transcripts: non-coding transcript variant (1).
Genome position (GRCh38, 1-based): chr17:8,228,527, T>C on the plus strand (A>G on the coding strand, the complement: CTC1 is on the minus strand). VCF-style: chr17-8228527-T-C. GRCh37 (hg19) VCF-style: chr17-8131845-T-C.
Other names: short protein forms K1164E.
Identifiers: ClinVar variation 1506251 (VCV001506251.8), dbSNP rs1986917089, ClinGen allele CA397968229.